The following is an entry in ClinVar:

ClinVar aggregate classification (germline): Uncertain significance (1 of 4 stars; one submission).

Allele frequency attached by ClinVar (database versions not stated): gnomAD exomes below 0.00001.
gnomAD v4.1: 1 of 1,614,114 alleles (0.000062%); highest among the groups gnomAD compares: South Asian, 0.0011%; no homozygotes.

Submission:

Labcorp Genetics (formerly Invitae), Labcorp
Classification: Uncertain significance. Last evaluated: 2025-12-08. Review status: criteria provided, single submitter. Criteria: Invitae Variant Classification Sherloc (09022015). Collection method: clinical testing. Allele origin: germline.
Comment: This sequence change replaces arginine, which is basic and polar, with histidine, which is basic and polar, at codon 83 of the MRAS protein (p.Arg83His). This variant is not present in population databases (gnomAD no frequency). This variant has not been reported in the literature in individuals affected with MRAS-related conditions. ClinVar contains an entry for this variant (Variation ID: 3016270). An algorithm developed to predict the effect of missense changes on protein structure and function (PolyPhen-2) suggests that this variant is likely to be disruptive. In summary, the available evidence is currently insufficient to determine the role of this variant in disease. Therefore, it has been classified as a Variant of Uncertain Significance.

NM_001085049.3(MRAS):c.248G>A (p.Arg83His)

Gene: MRAS (muscle RAS oncogene homolog; plus strand). Cytogenetic location: 3q22.3.
Variant type: single nucleotide variant.
Coding change: c.248G>A on transcript NM_001085049.3 (MANE Select); coding-DNA position 248, G replaced by A.
Protein change: p.Arg83His; replaces arginine 83 with histidine.
Molecular consequence: missense variant.
Genome position (GRCh38, 1-based): chr3:138,397,378, G>A. VCF-style: chr3-138397378-G-A. GRCh37 (hg19) VCF-style: chr3-138116220-G-A.
Other names: c.248G>A, p.Arg83His (NM_001252090.2, NM_012219.4); c.20G>A, p.Arg7His (NM_001252091.1, NM_001252092.2, NM_001252093.2); short protein forms R7H, R83H.
Identifiers: ClinVar variation 3016270 (VCV003016270.3), dbSNP rs2474152740, ClinGen allele CA354672753.